The following is an entry in ClinVar:

NM_006929.5(SKIC2):c.*19T>C

Gene: SKIC2 (SKI2 subunit of superkiller complex; plus strand). Cytogenetic location: 6p21.33.
Variant type: single nucleotide variant.
Coding change: c.*19T>C on transcript NM_006929.5 (MANE Select); 19 bases downstream of the stop codon, T replaced by C.
Molecular consequence: 3 prime UTR variant.
Genome position (GRCh38, 1-based): chr6:31,969,734, T>C. VCF-style: chr6-31969734-T-C. GRCh37 (hg19) VCF-style: chr6-31937511-T-C.
Identifiers: ClinVar variation 356356 (VCV000356356.5), dbSNP rs2075702, ClinGen allele CA3730129.

ClinVar aggregate classification (germline): Benign (1 of 4 stars; one submission).

Conditions:
Trichohepatoenteric syndrome 2 (THES2). Identifiers: Orphanet 84064, MedGen C3281289, MONDO:0013818, OMIM 614602.

Allele frequency attached by ClinVar (database versions not stated): gnomAD 0.00094 and 0.00176; TOPMed 0.00157; gnomAD exomes 0.00193 and 0.00352; ExAC 0.00375; 1000 Genomes Project 30x 0.00796; 1000 Genomes Project 0.00938.
gnomAD v4.1: 3,016 of 1,583,456 alleles (0.19%); highest among the groups gnomAD compares: East Asian, 6.3%; 95 homozygotes.

Submission:

Illumina Laboratory Services, Illumina
Classification: Benign for Trichohepatoenteric syndrome 2. Last evaluated: 2018-01-13. Review status: criteria provided, single submitter. Criteria: ICSL Variant Classification Criteria 13 December 2019. Collection method: clinical testing. Allele origin: germline.
Comment: This variant was observed in the ICSL laboratory as part of a predisposition screen in an ostensibly healthy population. It had not been previously curated by ICSL or reported in the Human Gene Mutation Database (HGMD: prior to June 1st, 2018), and was therefore a candidate for classification through an automated scoring system. Utilizing variant allele frequency, disease prevalence and penetrance estimates, and inheritance mode, an automated score was calculated to assess if this variant is too frequent to cause the disease. Based on the score and internal cut-off values, a variant classified as benign is not then subjected to further curation. The score for this variant resulted in a classification of benign for this disease.